The following is an entry in ClinVar:

NM_025144.4(ALPK1):c.3542G>C (p.Trp1181Ser)

Gene: ALPK1 (alpha kinase 1; plus strand). Cytogenetic location: 4q25.
Variant type: single nucleotide variant.
Coding change: c.3542G>C on transcript NM_025144.4 (MANE Select); coding-DNA position 3542, G replaced by C.
Protein change: p.Trp1181Ser; replaces tryptophan 1181 with serine.
Molecular consequence: missense variant.
Genome position (GRCh38, 1-based): chr4:112,440,920, G>C. VCF-style: chr4-112440920-G-C. GRCh37 (hg19) VCF-style: chr4-113362076-G-C.
Other names: c.3542G>C, p.Trp1181Ser (NM_001102406.2); c.3308G>C, p.Trp1103Ser (NM_001253884.2); short protein forms W1181S, W1103S.
Identifiers: ClinVar variation 2004531 (VCV002004531.4), dbSNP rs2476520196, ClinGen allele CA357911629.
Genomic context (GRCh38, chr4:112,440,920, plus strand): 5'-CACTTGATGGACATTTACAGGGAATTTAATACTCAGGTGTGTTCATTTCTCTTTTAGGTT[G>C]GGTAACCGGTAATGGAAAAGGACTCATCTACCTCACAGATCCCCAGATTCACTCCGTTGA-3'
Protein context (NP_079420.3, residues 1171-1191): HRDVVVDLQG[Trp1181Ser]VTGNGKGLIY

ClinVar aggregate classification (germline): Uncertain significance (1 of 4 stars; one submission).

gnomAD v4.1: 2 of 1,608,692 alleles (0.00012%); highest among the groups gnomAD compares: East Asian, 0.0045%; no homozygotes.

Submission:

Labcorp Genetics (formerly Invitae), Labcorp
Classification: Uncertain significance. Last evaluated: 2022-06-10. Review status: criteria provided, single submitter. Criteria: Invitae Variant Classification Sherloc (09022015). Collection method: clinical testing. Allele origin: germline.
Comment: In summary, the available evidence is currently insufficient to determine the role of this variant in disease. Therefore, it has been classified as a Variant of Uncertain Significance. Algorithms developed to predict the effect of missense changes on protein structure and function are either unavailable or do not agree on the potential impact of this missense change (SIFT: "Deleterious"; PolyPhen-2: "Probably Damaging"; Align-GVGD: "Class C0"). This variant has not been reported in the literature in individuals affected with ALPK1-related conditions. This variant is not present in population databases (gnomAD no frequency). This sequence change replaces tryptophan, which is neutral and slightly polar, with serine, which is neutral and polar, at codon 1181 of the ALPK1 protein (p.Trp1181Ser).